The following is an entry in ClinVar:

ClinVar aggregate classification (germline): Uncertain significance (1 of 4 stars; one submission).

Submission:

Ambry Genetics
Classification: Uncertain significance. Last evaluated: 2021-06-26. Review status: criteria provided, single submitter. Criteria: Ambry Variant Classification Scheme 2023. Collection method: clinical testing. Allele origin: germline.
Comment: The p.H1032P variant (also known as c.3095A>C), located in coding exon 4 of the ALPK2 gene, results from an A to C substitution at nucleotide position 3095. The histidine at codon 1032 is replaced by proline, an amino acid with similar properties. This amino acid position is conserved. In addition, this alteration is predicted to be tolerated by in silico analysis. Since supporting evidence is limited at this time, the clinical significance of this alteration remains unclear.

NM_052947.4(ALPK2):c.3095A>C (p.His1032Pro)

Gene: ALPK2 (alpha kinase 2; minus strand). Cytogenetic location: 18q21.31.
Variant type: single nucleotide variant.
Coding change: c.3095A>C on transcript NM_052947.4 (MANE Select); coding-DNA position 3095, A replaced by C.
Protein change: p.His1032Pro; replaces histidine 1032 with proline.
Molecular consequence: missense variant.
Genome position (GRCh38, 1-based): chr18:58,537,092, T>G on the plus strand (A>C on the coding strand, the complement: ALPK2 is on the minus strand). VCF-style: chr18-58537092-T-G. GRCh37 (hg19) VCF-style: chr18-56204324-T-G.
Other names: short protein forms H1032P.
Identifiers: ClinVar variation 1727501 (VCV001727501.2), dbSNP rs2518876904, ClinGen allele CA402569114.